The following is an entry in ClinVar:

NM_001148.6(ANK2):c.229G>A (p.Val77Met)

Gene: ANK2 (ankyrin 2; plus strand). Cytogenetic location: 4q25.
Variant type: single nucleotide variant.
Coding change: c.229G>A on transcript NM_001148.6 (MANE Select); coding-DNA position 229, G replaced by A.
Protein change: p.Val77Met; replaces valine 77 with methionine.
Molecular consequence: missense variant.
Genome position (GRCh38, 1-based): chr4:113,196,410, G>A. VCF-style: chr4-113196410-G-A. GRCh37 (hg19) VCF-style: chr4-114117566-G-A.
Other names: c.166G>A, p.Val56Met (NM_001127493.3, NM_001354239.2, NM_001354243.2 and 33 more transcripts); c.229G>A, p.Val77Met (NM_001354225.2, NM_001354228.2, NM_001354232.2 and 9 more transcripts); c.274G>A, p.Val92Met (NM_001354230.2, NM_001354231.2, NM_001354237.2 and 5 more transcripts); c.211G>A, p.Val71Met (NM_001354261.2, NM_001386147.1, NM_001386160.1); c.217G>A, p.Val73Met (NM_001354269.3, NM_001386148.2, NM_001386186.2 and 1 more transcripts); c.280G>A, p.Val94Met (NM_001386174.1, NM_001386175.1); short protein forms V56M, V71M, V73M, V77M, V92M, V94M.
Identifiers: ClinVar variation 1010772 (VCV001010772.11), dbSNP rs776254819, ClinGen allele CA3049970.
Genomic context (GRCh38, chr4:113,196,410, plus strand): 5'-GTTTGTTTCTTCTCTCAGAATGGACTCAACGCTCTCCATCTGGCTGCCAAGGAAGGCCAC[G>A]TGGGGCTGGTGCAGGAGCTGCTGGGAAGAGGGTCCTCTGTGGATTCTGCCACTAAGGTAA-3'
Protein context (NP_001139.3, residues 67-87): ALHLAAKEGH[Val77Met]GLVQELLGRG

ClinVar aggregate classification (germline): Conflicting classifications of pathogenicity. Review status: criteria provided, conflicting classifications (1 of 4 stars). 4 submissions from 4 submitters: Uncertain significance (3); Likely benign (1). Last evaluated 2025-12-02.

Conditions:
Cardiac arrhythmia, ankyrin-B-related. Also called: ANKYRIN-B SYNDROME. Identifiers: Orphanet 101016, Orphanet 768, MedGen C1970119, MONDO:0010958, OMIM 600919.
Long QT syndrome (LQTS). Identifiers: MedGen C0023976, MeSH D008133, MONDO:0002442. Disease mechanism: loss of function. Inheritance: Various modes of inheritance.
Cardiovascular phenotype. Identifiers: MedGen CN230736.

Allele frequency attached by ClinVar (database versions not stated): ExAC 0.00003; gnomAD 0.00005; TOPMed 0.00005.
gnomAD v4.1: 39 of 1,613,848 alleles (0.0024%); highest among the groups gnomAD compares: Non-Finnish European, 0.0033%; no homozygotes.

Submissions (4):

Labcorp Genetics (formerly Invitae), Labcorp
Classification: Uncertain significance for Long QT syndrome. Last evaluated: 2025-12-02. Review status: criteria provided, single submitter. Criteria: Invitae Variant Classification Sherloc (09022015). Collection method: clinical testing. Allele origin: germline.
Comment: This sequence change replaces valine, which is neutral and non-polar, with methionine, which is neutral and non-polar, at codon 77 of the ANK2 protein (p.Val77Met). This variant is present in population databases (rs776254819, gnomAD 0.008%). This variant has not been reported in the literature in individuals affected with ANK2-related conditions. ClinVar contains an entry for this variant (Variation ID: 1010772). Invitae Evidence Modeling of protein sequence and biophysical properties (such as structural, functional, and spatial information, amino acid conservation, physicochemical variation, residue mobility, and thermodynamic stability) indicates that this missense variant is not expected to disrupt ANK2 protein function with a negative predictive value of 80%. In summary, the available evidence is currently insufficient to determine the role of this variant in disease. Therefore, it has been classified as a Variant of Uncertain Significance.

GeneDx
Classification: Uncertain significance. Last evaluated: 2025-10-07. Review status: criteria provided, single submitter. Criteria: GeneDx Variant Classification Process June 2021. Collection method: clinical testing. Allele origin: germline. Affected: yes.
Comment: Has not been previously published as pathogenic or benign to our knowledge; In silico analysis supports that this missense variant has a deleterious effect on protein structure/function

Ambry Genetics
Classification: Likely benign for Cardiovascular phenotype. Last evaluated: 2024-09-06. Review status: criteria provided, single submitter. Criteria: Ambry Variant Classification Scheme 2023. Collection method: clinical testing. Allele origin: germline.

Fulgent Genetics
Classification: Uncertain significance for Cardiac arrhythmia, ankyrin-B-related. Last evaluated: 2021-08-05. Review status: criteria provided, single submitter. Criteria: ACMG Guidelines, 2015. Collection method: clinical testing. Allele origin: unknown.